The following is an entry in ClinVar:

ClinVar aggregate classification (germline): Pathogenic/Likely pathogenic. Review status: criteria provided, multiple submitters, no conflicts (2 of 4 stars). 5 submissions from 5 submitters: Pathogenic (1); Likely pathogenic (4). Last evaluated 2026-01-06.

Conditions:
Hereditary insensitivity to pain with anhidrosis (CIPA). Also called: INSENSITIVITY TO PAIN, CONGENITAL, WITH ANHIDROSIS; HSAN Type IV; FAMILIAL DYSAUTONOMIA, TYPE II; NEUROPATHY, CONGENITAL SENSORY, WITH ANHIDROSIS; hereditary sensory and autonomic neuropathy type 4; NTRK1 Congenital Insensitivity to Pain with Anhidrosis. Identifiers: Orphanet 642, MedGen C0020074, MONDO:0009746, OMIM 256800.

Allele frequency attached by ClinVar (database versions not stated): gnomAD exomes below 0.00001; TOPMed below 0.00001.

Submissions (5):

Myriad Genetics, Inc.
Classification: Likely pathogenic for Hereditary insensitivity to pain with anhidrosis. Last evaluated: 2026-01-06. Review status: criteria provided, single submitter. Criteria: Myriad Autosomal Dominant, Autosomal Recessive and X-Linked Classification Criteria (2023). Collection method: clinical testing. Allele origin: unknown.
Comment: NM_002529.3(NTRK1):c.718-1G>A is a variant in a canonical splice site classified as likely pathogenic in the context of congenital insensitivity to pain with anhidrosis, NTRK1-related. c.718-1G>A has not been observed in cases with relevant disease. Relevant functional assessments of this variant are not available in the literature. c.718-1G>A has been observed in referenced population frequency databases. In summary, NM_002529.3(NTRK1):c.718-1G>A is a variant in a canonical splice site in a gene where loss of function is a known mechanism of disease and is predicted to disrupt protein function. Please note: this variant was assessed in the context of healthy population screening.

Natera, Inc.
Classification: Likely pathogenic for Hereditary insensitivity to pain with anhidrosis. Last evaluated: 2025-09-18. Review status: criteria provided, single submitter. Criteria: Natera Variant Classification Schema (03/2026). Collection method: clinical testing. Allele origin: germline.
Comment: The c.718-1G>A variant in NTRK1 is a canonical splice acceptor site variant predicted to affect pre-mRNA splicing, which may result in an abnormal transcript and altered protein product. This variant is expected to result in nonsense mediated decay, truncation, or a dysfunctional protein product. This variant is rare in the general population with a frequency below the threshold expected for the associated phenotype(s). Given the available evidence, this variant is classified as Likely Pathogenic.

Dasa
Classification: Pathogenic. Last evaluated: 2024-06-19. Review status: criteria provided, single submitter. Criteria: DASA Assertion Criteria. Collection method: clinical testing. Allele origin: germline.
Comment: NM_002529.4(NTRK1):c.718-1G>A affects a canonical splice site and is predicted to disrupt normal RNA splicing, leading to loss of normal protein function. Loss-of-function is an established mechanism of disease for this gene. Multiple computational predictions support a deleterious effect on the gene or gene product. Based on the available data, this variant is classified as pathogenic.

Fulgent Genetics
Classification: Likely pathogenic for Hereditary insensitivity to pain with anhidrosis. Last evaluated: 2024-02-10. Review status: criteria provided, single submitter. Criteria: ACMG Guidelines, 2015. Collection method: clinical testing. Allele origin: germline.

Labcorp Genetics (formerly Invitae), Labcorp
Classification: Likely pathogenic for Hereditary insensitivity to pain with anhidrosis. Last evaluated: 2023-03-13. Review status: criteria provided, single submitter. Criteria: Invitae Variant Classification Sherloc (09022015). Collection method: clinical testing. Allele origin: germline.
Comment: In summary, the currently available evidence indicates that the variant is pathogenic, but additional data are needed to prove that conclusively. Therefore, this variant has been classified as Likely Pathogenic. Algorithms developed to predict the effect of sequence changes on RNA splicing suggest that this variant may disrupt the consensus splice site. ClinVar contains an entry for this variant (Variation ID: 948983). This variant has not been reported in the literature in individuals affected with NTRK1-related conditions. This variant is present in population databases (no rsID available, gnomAD 0.0009%). This sequence change affects an acceptor splice site in intron 6 of the NTRK1 gene. It is expected to disrupt RNA splicing. Variants that disrupt the donor or acceptor splice site typically lead to a loss of protein function (PMID: 16199547), and loss-of-function variants in NTRK1 are known to be pathogenic (PMID: 10982191).

Literature cited by the submitters: PubMed 16199547 (cited by Labcorp Genetics (formerly Invitae), Labcorp); PubMed 10982191 (cited by Labcorp Genetics (formerly Invitae), Labcorp).

NM_002529.4(NTRK1):c.718-1G>A

Gene: NTRK1 (neurotrophic receptor tyrosine kinase 1; plus strand). Cytogenetic location: 1q23.1.
Variant type: single nucleotide variant.
Coding change: c.718-1G>A on transcript NM_002529.4 (MANE Select); the canonical splice acceptor site of the intron before coding-DNA position 718, G replaced by A.
Molecular consequence: splice acceptor variant.
Genome position (GRCh38, 1-based): chr1:156,871,622, G>A. VCF-style: chr1-156871622-G-A. GRCh37 (hg19) VCF-style: chr1-156841414-G-A.
Other names: c.628-1G>A (NM_001007792.1); c.718-1G>A (NM_001012331.2).
Identifiers: ClinVar variation 948983 (VCV000948983.12), dbSNP rs1474214658, ClinGen allele CA342935011.